The following is an entry in ClinVar:

NM_000238.4(KCNH2):c.66dup (p.Glu23Ter)

Gene: KCNH2 (potassium voltage-gated channel subfamily H member 2; minus strand). Cytogenetic location: 7q36.1.
Variant type: Duplication.
Coding change: c.66dup on transcript NM_000238.4 (MANE Select); coding-DNA position 66, one base duplicated (T; older notation c.66dupT).
Protein change: p.Glu23Ter; replaces glutamic acid 23 with a stop codon.
Molecular consequence: nonsense. On other transcripts: frameshift variant (2).
Genome position (GRCh38, 1-based): chr7:150,977,848, A duplicated on the plus strand (T on the coding strand, the reverse complement: KCNH2 is on the minus strand); the first of 3 consecutive A bases (chr7:150,977,848-150,977,850); duplicating any one gives the same sequence. VCF-style (leftmost placement, unchanged base first): chr7-150977847-C-CA. GRCh37 (hg19) VCF-style: chr7-150674935-C-CA.
Other names: c.66dupT (NM_000238.3); c.64dup, p.Glu23Terfs (NM_172056.3); short protein forms E23*.
Identifiers: ClinVar variation 526932 (VCV000526932.10), dbSNP rs1554431441, ClinGen allele CA658797054.
Genomic context (GRCh38, chr7:150,977,847, plus strand): 5'-CTCGGCCCGCCCCCAGAGCCCCCTCCCCGCTCAGCCCCCTCCCCCACTCACTCTGGCCCT[C>CA]AAACTTGCGGATGATGGTGTCCAGGAAGGTGTTCTGCGGCGCGACGTGGCCCCTCCGCAC-3'

ClinVar aggregate classification (germline): Pathogenic/Likely pathogenic. Review status: criteria provided, multiple submitters, no conflicts (2 of 4 stars). 2 submissions from 2 submitters: Pathogenic (1); Likely pathogenic (1). Last evaluated 2018-01-08.

Conditions:
Long QT syndrome (LQTS). Identifiers: MedGen C0023976, MeSH D008133, MONDO:0002442. Disease mechanism: loss of function. Inheritance: Various modes of inheritance.

Submissions (2):

Labcorp Genetics (formerly Invitae), Labcorp
Classification: Pathogenic for Long QT syndrome. Last evaluated: 2018-01-08. Review status: criteria provided, single submitter. Criteria: Invitae Variant Classification Sherloc (09022015). Collection method: clinical testing. Allele origin: germline.
Comment: Loss-of-function variants in KCNH2 are known to be pathogenic (PMID: 19862833). This sequence change creates a premature translational stop signal (p.Glu23*) in the KCNH2 gene. It is expected to result in an absent or disrupted protein product. This variant is not present in population databases (ExAC no frequency). This variant has not been reported in the literature in individuals with KCNH2-related disease. For these reasons, this variant has been classified as Pathogenic.

Molecular Diagnostic Laboratory for Inherited Cardiovascular Disease, Montreal Heart Institute
Classification: Likely pathogenic for Long QT syndrome. Review status: criteria provided, single submitter. Criteria: ACMG Guidelines, 2015. Collection method: clinical testing. Allele origin: germline. Affected: yes.

Literature cited by the submitters: PubMed 19862833 (cited by Labcorp Genetics (formerly Invitae), Labcorp).